The following is an entry in ClinVar:

NM_182977.3(NNT):c.1340G>A (p.Gly447Asp)

Gene: NNT (nicotinamide nucleotide transhydrogenase; plus strand). Cytogenetic location: 5p12.
Variant type: single nucleotide variant.
Coding change: c.1340G>A on transcript NM_182977.3 (MANE Select); coding-DNA position 1340, G replaced by A.
Protein change: p.Gly447Asp; replaces glycine 447 with aspartic acid.
Molecular consequence: missense variant.
Genome position (GRCh38, 1-based): chr5:43,645,406, G>A. VCF-style: chr5-43645406-G-A. GRCh37 (hg19) VCF-style: chr5-43645508-G-A.
Other names: c.947G>A, p.Gly316Asp (NM_001331026.2); c.1340G>A, p.Gly447Asp (NM_012343.4); short protein forms G316D, G447D.
Identifiers: ClinVar variation 4807170 (VCV004807170.1).

ClinVar aggregate classification (germline): Uncertain significance (1 of 4 stars; one submission).

gnomAD v4.1: 37 of 1,567,466 alleles (0.0024%); highest among the groups gnomAD compares: Non-Finnish European, 0.0032%; no homozygotes.

Submission:

Labcorp Genetics (formerly Invitae), Labcorp
Classification: Uncertain significance. Last evaluated: 2025-12-02. Review status: criteria provided, single submitter. Criteria: Invitae Variant Classification Sherloc (09022015). Collection method: clinical testing. Allele origin: germline.
Comment: This sequence change replaces glycine, which is neutral and non-polar, with aspartic acid, which is acidic and polar, at codon 447 of the NNT protein (p.Gly447Asp). This variant is present in population databases (rs375049097, gnomAD 0.004%). This variant has not been reported in the literature in individuals affected with NNT-related conditions. An algorithm developed to predict the effect of missense changes on protein structure and function (PolyPhen-2) suggests that this variant is likely to be tolerated. In summary, the available evidence is currently insufficient to determine the role of this variant in disease. Therefore, it has been classified as a Variant of Uncertain Significance.